The following is an entry in ClinVar:

ClinVar aggregate classification (germline): Uncertain significance. Review status: criteria provided, multiple submitters, no conflicts (2 of 4 stars). 2 submissions from 2 submitters: Uncertain significance (2). Last evaluated 2025-03-31.

Conditions:
Inborn genetic diseases. Identifiers: MedGen C0950123, MeSH D030342.

Allele frequency attached by ClinVar (database versions not stated): gnomAD 0.00001; TOPMed 0.00002.
gnomAD v4.1: 15 of 1,613,966 alleles (0.00093%); highest among the groups gnomAD compares: East Asian, 0.0089%; no homozygotes.

Submissions (2):

Ambry Genetics
Classification: Uncertain significance for Inborn genetic diseases. Last evaluated: 2025-03-31. Review status: criteria provided, single submitter. Criteria: Ambry Variant Classification Scheme 2023. Collection method: clinical testing. Allele origin: germline.

Labcorp Genetics (formerly Invitae), Labcorp
Classification: Uncertain significance. Last evaluated: 2022-08-22. Review status: criteria provided, single submitter. Criteria: Invitae Variant Classification Sherloc (09022015). Collection method: clinical testing. Allele origin: germline.
Comment: This sequence change replaces arginine, which is basic and polar, with cysteine, which is neutral and slightly polar, at codon 25 of the CNGB3 protein (p.Arg25Cys). This variant is present in population databases (no rsID available, gnomAD 0.006%). This variant has not been reported in the literature in individuals affected with CNGB3-related conditions. Advanced modeling of protein sequence and biophysical properties (such as structural, functional, and spatial information, amino acid conservation, physicochemical variation, residue mobility, and thermodynamic stability) performed at Invitae indicates that this missense variant is not expected to disrupt CNGB3 protein function. In summary, the available evidence is currently insufficient to determine the role of this variant in disease. Therefore, it has been classified as a Variant of Uncertain Significance.

NM_019098.5(CNGB3):c.73C>T (p.Arg25Cys)

Gene: CNGB3 (cyclic nucleotide gated channel subunit beta 3; minus strand). Cytogenetic location: 8q21.3.
Variant type: single nucleotide variant.
Coding change: c.73C>T on transcript NM_019098.5 (MANE Select); coding-DNA position 73, C replaced by T.
Protein change: p.Arg25Cys; replaces arginine 25 with cysteine.
Molecular consequence: missense variant.
Genome position (GRCh38, 1-based): chr8:86,743,555, G>A on the plus strand (C>T on the coding strand, the complement: CNGB3 is on the minus strand). VCF-style: chr8-86743555-G-A. GRCh37 (hg19) VCF-style: chr8-87755783-G-A.
Other names: c.73C>T (NM_019098.4); short protein forms R25C.
Identifiers: ClinVar variation 2076481 (VCV002076481.2), dbSNP rs778891741, ClinGen allele CA371452779.